The following is an entry in ClinVar:

NM_006516.4(SLC2A1):c.46G>T (p.Val16Leu)

Gene: SLC2A1 (solute carrier family 2 member 1; minus strand). Cytogenetic location: 1p34.2.
Variant type: single nucleotide variant.
Coding change: c.46G>T on transcript NM_006516.4 (MANE Select); coding-DNA position 46, G replaced by T.
Protein change: p.Val16Leu; replaces valine 16 with leucine.
Molecular consequence: missense variant.
Genome position (GRCh38, 1-based): chr1:42,943,294, C>A on the plus strand (G>T on the coding strand, the complement: SLC2A1 is on the minus strand). VCF-style: chr1-42943294-C-A. GRCh37 (hg19) VCF-style: chr1-43408965-C-A.
Other names: short protein forms V16L.
Identifiers: ClinVar variation 538675 (VCV000538675.9), dbSNP rs1553156841, ClinGen allele CA339964867.

ClinVar aggregate classification (germline): Uncertain significance (1 of 4 stars; one submission).

Conditions:
GLUT1 deficiency syndrome 1, autosomal recessive. Identifiers: MedGen C3149117.

Submission:

Labcorp Genetics (formerly Invitae), Labcorp
Classification: Uncertain significance for GLUT1 deficiency syndrome 1, autosomal recessive. Last evaluated: 2018-01-13. Review status: criteria provided, single submitter. Criteria: Invitae Variant Classification Sherloc (09022015). Collection method: clinical testing. Allele origin: germline.
Comment: In summary, the available evidence is currently insufficient to determine the role of this variant in disease. Therefore, it has been classified as a Variant of Uncertain Significance. Algorithms developed to predict the effect of missense changes on protein structure and function do not agree on the potential impact of this missense change (SIFT: "Tolerated"; PolyPhen-2: "Possibly Damaging"; Align-GVGD: "Class C0"). This variant has not been reported in the literature in individuals with SLC2A1-related disease. This variant is not present in population databases (ExAC no frequency). This sequence change replaces valine with leucine at codon 16 of the SLC2A1 protein (p.Val16Leu). The valine residue is highly conserved and there is a small physicochemical difference between valine and leucine.